The following is an entry in ClinVar:

NM_025179.4(PLXNA2):c.1434C>T (p.Asp478=)

Gene: PLXNA2 (plexin A2; minus strand). Cytogenetic location: 1q32.2.
Variant type: single nucleotide variant.
Coding change: c.1434C>T on transcript NM_025179.4 (MANE Select); coding-DNA position 1434, C replaced by T.
Protein change: p.Asp478=; no amino-acid change (aspartic acid 478 retained).
Molecular consequence: synonymous variant.
Genome position (GRCh38, 1-based): chr1:208,142,401, G>A on the plus strand (C>T on the coding strand, the complement: PLXNA2 is on the minus strand). VCF-style: chr1-208142401-G-A. GRCh37 (hg19) VCF-style: chr1-208315746-G-A.
Other names: c.1434C>T (NM_025179.3).
Identifiers: ClinVar variation 1120460 (VCV001120460.10), dbSNP rs151039993, ClinGen allele CA1373848.

ClinVar aggregate classification (germline): Likely benign. Review status: criteria provided, single submitter (1 of 4 stars). 2 submissions from 2 submitters: Likely benign (1). 1 of the submissions does not count toward it. Last evaluated 2020-11-22.

Conditions:
PLXNA2-related disorder. Also called: PLXNA2-related condition.

Allele frequency attached by ClinVar (database versions not stated): gnomAD exomes 0.00002 and 0.00006; ExAC 0.00007; ESP Exome Variant Server 0.00008; gnomAD 0.00012; TOPMed 0.00015.
gnomAD v4.1: 42 of 1,613,808 alleles (0.0026%); highest among the groups gnomAD compares: African/African-American, 0.033%; no homozygotes.

Submissions (2):

Labcorp Genetics (formerly Invitae), Labcorp
Classification: Likely benign. Last evaluated: 2020-11-22. Review status: criteria provided, single submitter. Criteria: Invitae Variant Classification Sherloc (09022015). Collection method: clinical testing. Allele origin: germline.

PreventionGenetics, part of Exact Sciences
Classification: Likely benign for PLXNA2-related condition. Last evaluated: 2024-05-22. Review status: no assertion criteria provided. Collection method: clinical testing. Allele origin: germline. Not counted in ClinVar's aggregate classification.
Comment: This variant is classified as likely benign based on ACMG/AMP sequence variant interpretation guidelines (Richards et al. 2015 PMID: 25741868, with internal and published modifications).